The following is an entry in ClinVar:

ClinVar aggregate classification (germline): Uncertain significance (1 of 4 stars; one submission).

Submission:

Center for Genomic Medicine, Rigshospitalet, Copenhagen University Hospital
Classification: Uncertain significance. Last evaluated: 2025-03-04. Review status: criteria provided, single submitter. Criteria: ACMG Guidelines, 2015. Collection method: clinical testing. Allele origin: germline.
Comment: Classification criteria: PP3

NM_007294.4(BRCA1):c.4186-50A>C

Gene: BRCA1 (BRCA1 DNA repair associated; minus strand). Cytogenetic location: 17q21.31.
Variant type: single nucleotide variant.
Coding change: c.4186-50A>C on transcript NM_007294.4 (MANE Select); 50 bases into the intron before coding-DNA position 4186, A replaced by C.
Molecular consequence: intron variant.
Genome position (GRCh38, 1-based): chr17:43,082,625, T>G on the plus strand (A>C on the coding strand, the complement: BRCA1 is on the minus strand). VCF-style: chr17-43082625-T-G. GRCh37 (hg19) VCF-style: chr17-41234642-T-G.
Other names: c.736-50A>C (NM_001408458.1, NM_001408453.1, NM_001408461.1 and 8 more transcripts); c.3298-50A>C (NM_001407967.1, NM_001407966.1); c.3805-50A>C (NM_001407959.1, NM_001407960.1); c.3919-50A>C (NM_001407931.1, NM_001407932.1, NM_001407936.1 and 1 more transcripts); c.4042-50A>C (NM_001407747.1, NM_001407839.1, NM_001407745.1 and 17 more transcripts); c.3802-50A>C (NM_001407962.1); c.373-50A>C (NM_001408512.1); c.496-50A>C (NM_001408510.1); and 64 more.
Identifiers: ClinVar variation 3765080 (VCV003765080.1).